The following is an entry in ClinVar:

ClinVar aggregate classification (germline): Uncertain significance. Review status: criteria provided, multiple submitters, no conflicts (2 of 4 stars). 2 submissions from 2 submitters: Uncertain significance (2). Last evaluated 2022-07-08.

Conditions:
Charcot-Marie-Tooth disease. Also called: Charcot-Marie-Tooth Hereditary Neuropathy; Charcot-Marie-Tooth Neuropathy. Identifiers: Orphanet 166, MedGen C0007959, MONDO:0015626.
Charcot-Marie-Tooth disease type 4. Also called: Charcot-Marie-Tooth, Type 4; Charcot-Marie-Tooth disease, type IV. Identifiers: Orphanet 64749, MedGen C4082197, MONDO:0018995.

Submissions (2):

Labcorp Genetics (formerly Invitae), Labcorp
Classification: Uncertain significance for Charcot-Marie-Tooth disease type 4. Last evaluated: 2022-07-08. Review status: criteria provided, single submitter. Criteria: Invitae Variant Classification Sherloc (09022015). Collection method: clinical testing. Allele origin: germline.
Comment: This missense change has been observed in individual(s) with PRX-related conditions (PMID: 32376792). In summary, the available evidence is currently insufficient to determine the role of this variant in disease. Therefore, it has been classified as a Variant of Uncertain Significance. Algorithms developed to predict the effect of missense changes on protein structure and function are either unavailable or do not agree on the potential impact of this missense change (SIFT: "Deleterious"; PolyPhen-2: "Benign"; Align-GVGD: "Class C0"). ClinVar contains an entry for this variant (Variation ID: 916923). This variant is not present in population databases (gnomAD no frequency). This sequence change replaces alanine, which is neutral and non-polar, with aspartic acid, which is acidic and polar, at codon 53 of the PRX protein (p.Ala53Asp).

Molecular Genetics Laboratory, London Health Sciences Centre
Classification: Uncertain significance for Charcot-Marie-Tooth disease. Review status: criteria provided, single submitter. Criteria: ACMG Guidelines, 2015. Collection method: clinical testing. Allele origin: germline. Affected: yes.

Literature cited by the submitters: PubMed 32376792 (cited by Labcorp Genetics (formerly Invitae), Labcorp).

NM_181882.3(PRX):c.158C>A (p.Ala53Asp)

Genes: PRX (periaxin; minus strand), LOC130064454 (ATAC-STARR-seq lymphoblastoid active region 14650; plus strand). Cytogenetic location: 19q13.2.
Variant type: single nucleotide variant.
Coding change: c.158C>A on transcript NM_181882.3 (MANE Select); coding-DNA position 158, C replaced by A.
Protein change: p.Ala53Asp; replaces alanine 53 with aspartic acid.
Molecular consequence: missense variant.
Genome position (GRCh38, 1-based): chr19:40,403,732, G>T on the plus strand (C>A on the coding strand, the complement: PRX is on the minus strand). VCF-style: chr19-40403732-G-T. GRCh37 (hg19) VCF-style: chr19-40909639-G-T.
Other names: c.158C>A, p.Ala53Asp (NM_020956.2); short protein forms A53D.
Identifiers: ClinVar variation 916923 (VCV000916923.6), dbSNP rs753322071, ClinGen allele CA405901749.